The following is an entry in ClinVar:

ClinVar aggregate classification (germline): Uncertain significance (1 of 4 stars; one submission).

Submission:

Women's Health and Genetics/Laboratory Corporation of America, LabCorp
Classification: Uncertain significance. Last evaluated: 2025-07-07. Review status: criteria provided, single submitter. Criteria: LabCorp Variant Classification Summary - May 2015. Collection method: clinical testing. Allele origin: germline.
Comment: Variant summary: The variant involves the duplication of exons 3-15 in the CHEK2 gene. A presumed nomenclature of c.(319+1_320-1)_(*155_?)dup has been designated for the purposes of this classification. The exact breakpoint at the 3' end of this variant is unknown, therefore this duplication may extend downstream of the annotated region of the gene. As it duplicates the termination codon, its effect on the encoded protein is unknown. A duplication in the CHEK2 gene encompassing exon 3 to 15 and also including a part of the 3' UTR region was found at a frequency of 8.30E-05 in 120780 control chromosomes, predominantly found in the European (non-Finnish) subpopulation at a frequency of 0.00017 in the gnomAD database (Structural Variants v4.0 dataset), and it was also reported in an individual in the FLOSSIES database that contains women older than 70 years, who have never had cancer. The available data on variant occurrences in the general population are insufficient to allow clear conclusions about variant significance. Duplication of exons 3-15 (sometimes also called exons 2-14 duplication) has been reported in the literature in several patient samples included in validation studies without phenotype information (e.g. Vysotskaia_2017, Richardson_2019), in patients with a personal and/or family history of gastrointestinal malignancies/polyposis, such as colorectal cancer (e.g. Yurgelun_2017, Ozair_2021), and in at least one individual undergoing genetic testing for hereditary breast or ovarian cancer (e.g. Gauvin_2025). These studies reported this duplication to be a variant of uncertain significance. In addition, this duplication was reported in a patient affected with ovarian cancer (Flaum_2022), however a co-occurrence with another pathogenic variant (BRCA2 c.6405_6409delCTTAA, p.Asn2135LysfsX3) could explain the phenotype, thus providing supporting evidence for a benign role of the CHEK2 duplication. To our knowledge, no experimental evidence demonstrating an impact on protein function has been reported. The following publications have been ascertained in the context of this evaluation (PMIDs: 28135145, 28243543, 30054569, 36169650, 39907309; no PMIDs were available for Cassiano_2015, Chong_2016, Ozair_2021). ClinVar contains an entry for this variant (Variation ID: 1054404). Based on the evidence outlined above, the variant was classified as VUS-possibly benign.

Literature cited by the submitters: PubMed 28135145; PubMed 28243543; PubMed 30054569; PubMed 36169650; PubMed 39907309.

NC_000022.10:g.(?_29083730)_(29121356_29130390)dup

Gene: CHEK2 (checkpoint kinase 2; minus strand). Cytogenetic location: 22q12.1.
Variant type: Duplication.
Identifiers: ClinVar variation 996285 (VCV000996285.4).